The following is an entry in ClinVar:

ClinVar aggregate classification (germline): Uncertain significance (1 of 4 stars; one submission).

Conditions:
Distal myopathy with posterior leg and anterior hand involvement. Also called: WILLIAMS DISTAL MYOPATHY. Identifiers: Orphanet 63273, MedGen C3279722, MONDO:0013550, OMIM 614065.
Hypertrophic cardiomyopathy 26. Also called: Cardiomyopathy, familial hypertrophic, 26. Identifiers: Orphanet 75249, MedGen C4310749, MONDO:0014883, OMIM 617047.
Myofibrillar myopathy 5. Also called: Filaminopathy (type); FILAMINOPATHY, AUTOSOMAL DOMINANT. Identifiers: Orphanet 171445, MedGen C1836050, MONDO:0012289, OMIM 609524.

Submission:

Labcorp Genetics (formerly Invitae), Labcorp
Classification: Uncertain significance for Distal myopathy with posterior leg and anterior hand involvement; Myofibrillar myopathy 5; Hypertrophic cardiomyopathy 26. Last evaluated: 2024-06-01. Review status: criteria provided, single submitter. Criteria: Invitae Variant Classification Sherloc (09022015). Collection method: clinical testing. Allele origin: germline.
Comment: This sequence change replaces alanine, which is neutral and non-polar, with aspartic acid, which is acidic and polar, at codon 296 of the FLNC protein (p.Ala296Asp). This variant is not present in population databases (gnomAD no frequency). This variant has not been reported in the literature in individuals affected with FLNC-related conditions. Advanced modeling of protein sequence and biophysical properties (such as structural, functional, and spatial information, amino acid conservation, physicochemical variation, residue mobility, and thermodynamic stability) has been performed at Invitae for this missense variant, however the output from this modeling did not meet the statistical confidence thresholds required to predict the impact of this variant on FLNC protein function. In summary, the available evidence is currently insufficient to determine the role of this variant in disease. Therefore, it has been classified as a Variant of Uncertain Significance.

NM_001458.5(FLNC):c.887C>A (p.Ala296Asp)

Gene: FLNC (filamin C; plus strand). Cytogenetic location: 7q32.1.
Variant type: single nucleotide variant.
Coding change: c.887C>A on transcript NM_001458.5 (MANE Select); coding-DNA position 887, C replaced by A.
Protein change: p.Ala296Asp; replaces alanine 296 with aspartic acid.
Molecular consequence: missense variant.
Genome position (GRCh38, 1-based): chr7:128,837,673, C>A. VCF-style: chr7-128837673-C-A. GRCh37 (hg19) VCF-style: chr7-128477727-C-A.
Other names: c.887C>A, p.Ala296Asp (NM_001127487.2); short protein forms A296D.
Identifiers: ClinVar variation 3756629 (VCV003756629.2).
Genomic context (GRCh38, chr7:128,837,673, plus strand): 5'-CTGGGCTCTGCTCCTGCCCCGTAGGCATCGAGCCACAGGGCAACACCGTGCTGCAGCCTG[C>A]CCACTTCACCGTGCAGACGGTGGACGCGGGCGTGGGCGAGGTGCTGGTCTACATCGAGGA-3'
Protein context (NP_001449.3, residues 286-306): EPQGNTVLQP[Ala296Asp]HFTVQTVDAG